The following is an entry in ClinVar:

ClinVar aggregate classification (germline): Uncertain significance (1 of 4 stars; one submission).

Conditions:
Vici syndrome (VICIS). Identifiers: Orphanet 1493, MedGen C1855772, MONDO:0009452, OMIM 242840.

Allele frequency attached by ClinVar (database versions not stated): TOPMed 0.00001; gnomAD 0.00002.
gnomAD v4.1: 3 of 1,613,846 alleles (0.00019%); highest among the groups gnomAD compares: Admixed American, 0.0033%; no homozygotes.

Submission:

Labcorp Genetics (formerly Invitae), Labcorp
Classification: Uncertain significance for Vici syndrome. Last evaluated: 2022-02-08. Review status: criteria provided, single submitter. Criteria: Invitae Variant Classification Sherloc (09022015). Collection method: clinical testing. Allele origin: germline.
Comment: This sequence change falls in intron 21 of the EPG5 gene. It does not directly change the encoded amino acid sequence of the EPG5 protein. It affects a nucleotide within the consensus splice site. This variant is not present in population databases (gnomAD no frequency). This variant has not been reported in the literature in individuals affected with EPG5-related conditions. Variants that disrupt the consensus splice site are a relatively common cause of aberrant splicing (PMID: 17576681, 9536098). Algorithms developed to predict the effect of sequence changes on RNA splicing suggest that this variant may create or strengthen a splice site. In summary, the available evidence is currently insufficient to determine the role of this variant in disease. Therefore, it has been classified as a Variant of Uncertain Significance.

Literature cited by the submitters: PubMed 17576681; PubMed 9536098.

NM_020964.3(EPG5):c.3816+4C>A

Gene: EPG5 (ectopic P-granules 5 autophagy tethering factor; minus strand). Cytogenetic location: 18q21.1.
Variant type: single nucleotide variant.
Coding change: c.3816+4C>A on transcript NM_020964.3 (MANE Select); 4 bases into the intron after coding-DNA position 3816, C replaced by A.
Molecular consequence: intron variant.
Genome position (GRCh38, 1-based): chr18:45,913,702, G>T on the plus strand (C>A on the coding strand, the complement: EPG5 is on the minus strand). VCF-style: chr18-45913702-G-T. GRCh37 (hg19) VCF-style: chr18-43493667-G-T.
Identifiers: ClinVar variation 1922561 (VCV001922561.2), dbSNP rs1348269939, ClinGen allele CA779726700.